The following is an entry in ClinVar:

ClinVar aggregate classification (germline): Uncertain significance. Review status: criteria provided, multiple submitters, no conflicts (2 of 4 stars). 2 submissions from 2 submitters: Uncertain significance (2). Last evaluated 2021-12-14.

Conditions:
Polycystic kidney disease 4 (PKD4). Also called: POLYCYSTIC KIDNEY DISEASE 4 WITH OR WITHOUT POLYCYSTIC LIVER DISEASE; POLYCYSTIC KIDNEY AND HEPATIC DISEASE 1; POLYCYSTIC KIDNEY DISEASE, INFANTILE, TYPE I; PKD3; Autosomal Recessive Polycystic Kidney Disease – PKHD1. Identifiers: MedGen C4540575, MONDO:0033004, OMIM 263200.
Autosomal recessive polycystic kidney disease (ARPKD). Also called: AR polycystic kidney disease. Identifiers: Orphanet 731, Orphanet 8378, MedGen C0085548, MeSH D017044, MONDO:0009889.

Submissions (2):

Fulgent Genetics
Classification: Uncertain significance for Polycystic kidney disease 4. Last evaluated: 2021-12-14. Review status: criteria provided, single submitter. Criteria: ACMG Guidelines, 2015. Collection method: clinical testing. Allele origin: unknown.

Labcorp Genetics (formerly Invitae), Labcorp
Classification: Uncertain significance for Autosomal recessive polycystic kidney disease. Last evaluated: 2021-07-26. Review status: criteria provided, single submitter. Criteria: Invitae Variant Classification Sherloc (09022015). Collection method: clinical testing. Allele origin: germline.
Comment: In summary, the available evidence is currently insufficient to determine the role of this variant in disease. Therefore, it has been classified as a Variant of Uncertain Significance. Advanced modeling of protein sequence and biophysical properties (such as structural, functional, and spatial information, amino acid conservation, physicochemical variation, residue mobility, and thermodynamic stability) performed at Invitae indicates that this missense variant is expected to disrupt PKHD1 protein function. This variant has been observed in individual(s) with clinical features of polycystic kidney disease (Invitae). This variant is not present in population databases (ExAC no frequency). This sequence change replaces serine with proline at codon 3369 of the PKHD1 protein (p.Ser3369Pro). The serine residue is highly conserved and there is a moderate physicochemical difference between serine and proline.

NM_138694.4(PKHD1):c.10105T>C (p.Ser3369Pro)

Gene: PKHD1 (PKHD1 ciliary IPT domain containing fibrocystin/polyductin; minus strand). Cytogenetic location: 6p12.3.
Variant type: single nucleotide variant.
Coding change: c.10105T>C on transcript NM_138694.4 (MANE Select); coding-DNA position 10105, T replaced by C.
Protein change: p.Ser3369Pro; replaces serine 3369 with proline.
Molecular consequence: missense variant.
Genome position (GRCh38, 1-based): chr6:51,744,436, A>G on the plus strand (T>C on the coding strand, the complement: PKHD1 is on the minus strand). VCF-style: chr6-51744436-A-G. GRCh37 (hg19) VCF-style: chr6-51609234-A-G.
Other names: c.10105T>C, p.Ser3369Pro (NM_170724.3); short protein forms S3369P.
Identifiers: ClinVar variation 1472582 (VCV001472582.9), dbSNP rs2150962340, ClinGen allele CA364418195.